The following is an entry in ClinVar:

NM_005120.3(MED12):c.233C>T (p.Ala78Val)

Gene: MED12 (mediator complex subunit 12; plus strand). Cytogenetic location: Xq13.1.
Variant type: single nucleotide variant.
Coding change: c.233C>T on transcript NM_005120.3 (MANE Select); coding-DNA position 233, C replaced by T.
Protein change: p.Ala78Val; replaces alanine 78 with valine.
Molecular consequence: missense variant.
Genome position (GRCh38, 1-based): chrX:71,119,714, C>T. VCF-style: chrX-71119714-C-T. GRCh37 (hg19) VCF-style: chrX-70339564-C-T.
Other names: short protein forms A78V.
Identifiers: ClinVar variation 3376064 (VCV003376064.1).

ClinVar aggregate classification (germline): Uncertain significance (1 of 4 stars; one submission).

Submission:

GeneDx
Classification: Uncertain significance. Last evaluated: 2024-05-07. Review status: criteria provided, single submitter. Criteria: GeneDx Variant Classification Process June 2021. Collection method: clinical testing. Allele origin: germline. Affected: yes.
Comment: Not observed at significant frequency in large population cohorts (gnomAD); In silico analysis indicates that this missense variant does not alter protein structure/function; Has not been previously published as pathogenic or benign to our knowledge